The following is an entry in ClinVar:

NM_007180.3(TREH):c.1524_1525delinsTT (p.Gln508_Lys509delinsHisTer)

Genes: TREH (trehalase; minus strand), LOC112042778 (Sharpr-MPRA regulatory region 11464; plus strand). Cytogenetic location: 11q23.3.
Variant type: Indel.
Coding change: c.1524_1525delinsTT on transcript NM_007180.3 (MANE Select); coding-DNA positions 1524 to 1525, GA replaced by TT.
Protein change: p.Gln508_Lys509delinsHisTer.
Molecular consequence: nonsense.
Genome position (GRCh38, 1-based): chr11:118,658,925-118,658,926, TC replaced by AA on the plus strand (GA replaced by TT on the coding strand, the reverse complement: TREH is on the minus strand). VCF-style: chr11-118658925-TC-AA. GRCh37 (hg19) VCF-style: chr11-118529634-TC-AA.
Other names: c.1431_1432delinsTT, p.Gln477_Lys478delinsHisTer (NM_001301065.2).
Identifiers: ClinVar variation 3349126 (VCV003349126.1).
Genomic context (GRCh38, chr11:118,658,925, plus strand): 5'-GGACAGCCTGGGGGTGCAGGGAGGGCTTGGGCCAGCTCACCTTCTCATACATGGCTGACT[TC>AA]TGCGAGTAGACATCAAAATTGGTTCGGATCCAATTCTGAGCCAGCTGGAAAGCCACTTCC-3'

ClinVar aggregate classification (germline): Uncertain significance (0 of 4 stars; one submission).

Conditions:
TREH-related disorder. Also called: TREH-related condition.

Submission:

PreventionGenetics, part of Exact Sciences
Classification: Uncertain significance for TREH-related condition. Last evaluated: 2024-03-15. Review status: no assertion criteria provided. Collection method: clinical testing. Allele origin: germline.
Comment: The TREH c.1524_1525delinsTT variant is predicted to result in an in-frame deletion and insertion. To our knowledge, this variant has not been reported in the literature. In gnomAD, this variant is likely reported as two separate variants c.1524G>T (p.Gln508His) and c.1525A>T (p.Lys509*); these variants are both reported in 0.097% of alleles in individuals of European (Non-Finnish) descent and are noted to be on the same haplotype in at least 112 instances (11-118529634-T-A; 11-118529635-C-A). Although we suspect that this variant may be benign, at this time, the clinical significance of this variant is uncertain due to the absence of conclusive functional and genetic evidence.